The following is an entry in ClinVar:

ClinVar aggregate classification (germline): Conflicting classifications of pathogenicity. Review status: criteria provided, conflicting classifications (1 of 4 stars). 3 submissions from 3 submitters: Uncertain significance (2); Benign (1). Last evaluated 2023-07-01.

Conditions:
Mitochondrial complex I deficiency, nuclear type 1. Also called: NADH-COENZYME Q REDUCTASE DEFICIENCY; MITOCHONDRIAL NADH DEHYDROGENASE COMPONENT OF COMPLEX I, DEFICIENCY OF. Identifiers: MedGen C6022305, MONDO:0100224, OMIM 252010.

Allele frequency attached by ClinVar (database versions not stated): 1000 Genomes Project 30x 0.00422; gnomAD exomes 0.00429; 1000 Genomes Project 0.00479; TOPMed 0.00838; gnomAD 0.00889 and 0.00901.
gnomAD v4.1: 1,346 of 152,736 alleles (0.88%); highest among the groups gnomAD compares: Non-Finnish European, 1.3%; 9 homozygotes.

Submissions (3):

CeGaT Center for Human Genetics Tuebingen
Classification: Benign. Last evaluated: 2023-07-01. Review status: criteria provided, single submitter. Criteria: CeGaT Center For Human Genetics Tuebingen Variant Classification Criteria Version 2. Collection method: clinical testing. Allele origin: germline. Affected: yes. Observed: 6 variant alleles.
Comment: NUBPL: BS1, BS2

Illumina Laboratory Services, Illumina
Classification: Uncertain significance for Mitochondrial complex I deficiency, nuclear type 1. Last evaluated: 2018-01-13. Review status: criteria provided, single submitter. Criteria: ICSL Variant Classification Criteria 13 December 2019. Collection method: clinical testing. Allele origin: germline.

Breakthrough Genomics
Classification: Uncertain significance. Review status: criteria provided, single submitter. Criteria: ACMG Guidelines, 2015. Collection method: not provided. Allele origin: germline. Inheritance: Autosomal recessive inheritance. Affected: yes.

NM_025152.3(NUBPL):c.*736C>G

Gene: NUBPL (NUBP iron-sulfur cluster assembly factor, mitochondrial; plus strand). Cytogenetic location: 14q12.
Variant type: single nucleotide variant.
Coding change: c.*736C>G on transcript NM_025152.3 (MANE Select); 736 bases downstream of the stop codon, C replaced by G.
Molecular consequence: 3 prime UTR variant. On other transcripts: non-coding transcript variant (1).
Genome position (GRCh38, 1-based): chr14:31,859,916, C>G. VCF-style: chr14-31859916-C-G. GRCh37 (hg19) VCF-style: chr14-32329122-C-G.
Other names: c.*736C>G (NM_001201573.2, NM_001201574.2).
Identifiers: ClinVar variation 882868 (VCV000882868.36), dbSNP rs111321293, ClinGen allele CA13955838.
Genomic context (GRCh38, chr14:31,859,916, plus strand): 5'-GATAAGTAATTTGAGATATAATTTGAAGGCACTCAACCTTGAGTGTCTTGCTGAGGGTTA[C>G]TGTATCTAGCAGGTGATGGAGCTTGGATTTGAACTTGAGTAATTCGATATTAGATTCATC-3'